The following is an entry in ClinVar:

ClinVar aggregate classification (germline): Likely benign (1 of 4 stars; one submission).

Conditions:
Osteogenesis imperfecta type I (OI1). Also called: OI, TYPE I; OSTEOGENESIS IMPERFECTA TARDA; OSTEOGENESIS IMPERFECTA WITH BLUE SCLERAE; Osteogenesis imperfecta type 1; Lobstein's Disease; Lobstein disease. Identifiers: Orphanet 216796, Orphanet 666, MedGen C0023931, MONDO:0008146, OMIM 166200. Disease mechanism: loss of function.

Submission:

Laboratory of Genetic Skeletal Anomaly, Seoul National University Children's Hospital
Classification: Likely benign for Osteogenesis imperfecta type I. Last evaluated: 2025-03-01. Review status: criteria provided, single submitter. Criteria: ACMG Guidelines, 2015. Collection method: research. Allele origin: germline. Affected: yes.
Comment: This variant is a novel variant not previously reported in the literature or population databases. It was classified based on available in silico predictions and absence from gnomAD.

NM_000088.4(COL1A1):c.1360G>T (p.Val454Phe)

Gene: COL1A1 (collagen type I alpha 1 chain; minus strand). Cytogenetic location: 17q21.33.
Variant type: single nucleotide variant.
Coding change: c.1360G>T on transcript NM_000088.4 (MANE Select); coding-DNA position 1360, G replaced by T.
Protein change: p.Val454Phe; replaces valine 454 with phenylalanine.
Molecular consequence: missense variant.
Genome position (GRCh38, 1-based): chr17:50,194,822, C>A on the plus strand (G>T on the coding strand, the complement: COL1A1 is on the minus strand). VCF-style: chr17-50194822-C-A. GRCh37 (hg19) VCF-style: chr17-48272183-C-A.
Other names: short protein forms V454F.
Identifiers: ClinVar variation 4280686 (VCV004280686.1).
Genomic context (GRCh38, chr17:50,194,822, plus strand): 5'-CACCTCGAGCTCCTCGCTTTCCTTCCTCTCCAGCAGGGCCAGGGGGTCCTTGAACACCAA[C>A]AGGGCCCTGGAGAGGGCCGAGAGGAGGAGGCGGCCTGTGGTGAGGGGCCATCCTGTGCCA-3'
Protein context (NP_000079.2, residues 444-464): DTGAKGEPGP[Val454Phe]GVQGPPGPAG